The following is an entry in ClinVar:

ClinVar aggregate classification (germline): Uncertain significance. Review status: criteria provided, multiple submitters, no conflicts (2 of 4 stars). 3 submissions from 3 submitters: Uncertain significance (2). 1 of the submissions does not count toward it. Last evaluated 2025-04-08.

Conditions:
Maple syrup urine disease (MSUD). Identifiers: Orphanet 511, MedGen C0024776, MeSH D008375, MONDO:0009563. Disease mechanism: loss of function.
Inborn genetic diseases. Identifiers: MedGen C0950123, MeSH D030342.
Maple syrup urine disease type 1A (MSUD1A). Also called: MSUD type 1A. Identifiers: MedGen C1855369, MONDO:0023691, OMIM 248600.

Allele frequency attached by ClinVar (database versions not stated): gnomAD 0.00001; TOPMed 0.00004.

Submissions (3):

Ambry Genetics
Classification: Uncertain significance for Inborn genetic diseases. Last evaluated: 2025-04-08. Review status: criteria provided, single submitter. Criteria: Ambry Variant Classification Scheme 2023. Collection method: clinical testing. Allele origin: germline.

Labcorp Genetics (formerly Invitae), Labcorp
Classification: Uncertain significance for Maple syrup urine disease. Last evaluated: 2022-01-13. Review status: criteria provided, single submitter. Criteria: Invitae Variant Classification Sherloc (09022015). Collection method: clinical testing. Allele origin: germline.
Comment: This sequence change replaces phenylalanine, which is neutral and non-polar, with leucine, which is neutral and non-polar, at codon 263 of the BCKDHA protein (p.Phe263Leu). This variant is present in population databases (no rsID available, gnomAD 0.0009%). This variant has not been reported in the literature in individuals affected with BCKDHA-related conditions. ClinVar contains an entry for this variant (Variation ID: 652667). Advanced modeling of protein sequence and biophysical properties (such as structural, functional, and spatial information, amino acid conservation, physicochemical variation, residue mobility, and thermodynamic stability) performed at Invitae indicates that this missense variant is not expected to disrupt BCKDHA protein function. In summary, the available evidence is currently insufficient to determine the role of this variant in disease. Therefore, it has been classified as a Variant of Uncertain Significance.

Natera, Inc.
Classification: Uncertain significance for Maple syrup urine disease type 1A. Last evaluated: 2020-01-24. Review status: no assertion criteria provided. Collection method: clinical testing. Allele origin: germline. Not counted in ClinVar's aggregate classification.

NM_000709.4(BCKDHA):c.787T>C (p.Phe263Leu)

Gene: BCKDHA (branched chain keto acid dehydrogenase E1 subunit alpha; plus strand). Cytogenetic location: 19q13.2.
Variant type: single nucleotide variant.
Coding change: c.787T>C on transcript NM_000709.4 (MANE Select); coding-DNA position 787, T replaced by C.
Protein change: p.Phe263Leu; replaces phenylalanine 263 with leucine.
Molecular consequence: missense variant.
Genome position (GRCh38, 1-based): chr19:41,422,304, T>C. VCF-style: chr19-41422304-T-C. GRCh37 (hg19) VCF-style: chr19-41928209-T-C.
Other names: c.787T>C, p.Phe263Leu (NM_001164783.2); short protein forms F263L.
Identifiers: ClinVar variation 652667 (VCV000652667.6), dbSNP rs771360993, ClinGen allele CA308524322.
Genomic context (GRCh38, chr19:41,422,304, plus strand): 5'-GAGGGGGACGCCCATGCCGGCTTCAACTTCGCTGCCACACTTGAGTGCCCCATCATCTTC[T>C]TCTGCCGGAACAATGGCTACGCCATCTCCACGCCCACCTCTGAGCAGTATCGCGGCGATG-3'
Protein context (NP_000700.1, residues 253-273): AATLECPIIF[Phe263Leu]CRNNGYAIST